The following is an entry in ClinVar:

NM_016938.5(EFEMP2):c.726T>G (p.Ser242Arg)

Gene: EFEMP2 (EGF containing fibulin extracellular matrix protein 2; minus strand). Cytogenetic location: 11q13.1.
Variant type: single nucleotide variant.
Coding change: c.726T>G on transcript NM_016938.5 (MANE Select); coding-DNA position 726, T replaced by G.
Protein change: p.Ser242Arg; replaces serine 242 with arginine.
Molecular consequence: missense variant. On other transcripts: non-coding transcript variant (1).
Genome position (GRCh38, 1-based): chr11:65,869,858, A>C on the plus strand (T>G on the coding strand, the complement: EFEMP2 is on the minus strand). VCF-style: chr11-65869858-A-C. GRCh37 (hg19) VCF-style: chr11-65637329-A-C.
Other names: short protein forms S242R.
Identifiers: ClinVar variation 2563680 (VCV002563680.2), dbSNP rs1283578259, ClinGen allele CA381358349.
Genomic context (GRCh38, chr11:65,869,858, plus strand): 5'-CGGCATAGCTAGGGCCTGGGGGTCCACAGAGGAGTACACAGCAGGGATGGAGCTCTCACC[A>C]CTGCAGGAGAAGCCATCCCGATGCAGCTCATAGCCCTGGTGGCAGCGACACAGGAAGGTC-3'
Protein context (NP_058634.4, residues 232-252): YELHRDGFSC[Ser242Arg]DIDECSYSSY

ClinVar aggregate classification (germline): Uncertain significance (1 of 4 stars; one submission).

Conditions:
Cardiovascular phenotype. Identifiers: MedGen CN230736.

Submission:

Ambry Genetics
Classification: Uncertain significance for Cardiovascular phenotype. Last evaluated: 2023-03-16. Review status: criteria provided, single submitter. Criteria: Ambry Variant Classification Scheme 2023. Collection method: clinical testing. Allele origin: germline.
Comment: The p.S242R variant (also known as c.726T>G), located in coding exon 6 of the EFEMP2 gene, results from a T to G substitution at nucleotide position 726. The serine at codon 242 is replaced by arginine, an amino acid with dissimilar properties. This amino acid position is conserved. In addition, this alteration is predicted to be tolerated by in silico analysis. Since supporting evidence is limited at this time, the clinical significance of this alteration remains unclear.